The following is an entry in ClinVar:

ClinVar aggregate classification (germline): Uncertain significance (1 of 4 stars; one submission).

Conditions:
Very long chain acyl-CoA dehydrogenase deficiency (ACADVLD). Also called: VLCAD Deficiency; Very Long-Chain Acyl-Coenzyme A Dehydrogenase Deficiency. Identifiers: Orphanet 26793, MedGen C3887523, MONDO:0008723, OMIM 201475.

Allele frequency attached by ClinVar (database versions not stated): gnomAD exomes below 0.00001.
gnomAD v4.1: 1 of 1,610,728 alleles (0.000062%); highest among the groups gnomAD compares: Non-Finnish European, 0.000085%; no homozygotes.

Submission:

Labcorp Genetics (formerly Invitae), Labcorp
Classification: Uncertain significance for Very long chain acyl-CoA dehydrogenase deficiency. Last evaluated: 2021-12-22. Review status: criteria provided, single submitter. Criteria: Invitae Variant Classification Sherloc (09022015). Collection method: clinical testing. Allele origin: germline.
Comment: Variants that disrupt the consensus splice site are a relatively common cause of aberrant splicing (PMID: 17576681, 9536098). Algorithms developed to predict the effect of sequence changes on RNA splicing suggest that this variant may disrupt the consensus splice site. In summary, the available evidence is currently insufficient to determine the role of this variant in disease. Therefore, it has been classified as a Variant of Uncertain Significance. This sequence change falls in intron 10 of the ACADVL gene. It does not directly change the encoded amino acid sequence of the ACADVL protein. It affects a nucleotide within the consensus splice site. This variant is present in population databases (no rsID available, gnomAD 0.0009%). This variant has not been reported in the literature in individuals affected with ACADVL-related conditions.

Literature cited by the submitters: PubMed 17576681; PubMed 9536098.

NM_000018.4(ACADVL):c.1077+5G>A

Gene: ACADVL (acyl-CoA dehydrogenase very long chain; plus strand). Cytogenetic location: 17p13.1.
Variant type: single nucleotide variant.
Coding change: c.1077+5G>A on transcript NM_000018.4 (MANE Select); 5 bases into the intron after coding-DNA position 1077, G replaced by A.
Molecular consequence: intron variant.
Genome position (GRCh38, 1-based): chr17:7,222,870, G>A. VCF-style: chr17-7222870-G-A. GRCh37 (hg19) VCF-style: chr17-7126189-G-A.
Other names: c.1146+5G>A (NM_001270447.2); c.849+5G>A (NM_001270448.2); c.1011+5G>A (NM_001033859.3).
Identifiers: ClinVar variation 1966046 (VCV001966046.5), dbSNP rs1456585676, ClinGen allele CA624861282.